The following is an entry in ClinVar:

ClinVar aggregate classification (germline): Uncertain significance (1 of 4 stars; one submission).

Conditions:
Inborn genetic diseases. Identifiers: MedGen C0950123, MeSH D030342.

Submission:

Ambry Genetics
Classification: Uncertain significance for Inborn genetic diseases. Last evaluated: 2026-04-22. Review status: criteria provided, single submitter. Criteria: Ambry Variant Classification Scheme 2023. Collection method: clinical testing. Allele origin: germline.
Comment: The p.M722V variant (also known as c.2164A>G), located in coding exon 8 of the MECOM gene, results from an A to G substitution at nucleotide position 2164. The methionine at codon 722 is replaced by valine, an amino acid with highly similar properties. This amino acid position is conserved. In addition, this alteration is predicted to be tolerated by in silico analysis. Based on the available evidence, the clinical significance of this variant remains unclear.

NM_004991.4(MECOM):c.2164A>G (p.Met722Val)

Gene: MECOM (MDS1 and EVI1 complex locus; minus strand). Cytogenetic location: 3q26.2.
Variant type: single nucleotide variant.
Coding change: c.2164A>G on transcript NM_004991.4 (MANE Select); coding-DNA position 2164, A replaced by G.
Protein change: p.Met722Val; replaces methionine 722 with valine.
Molecular consequence: missense variant.
Genome position (GRCh38, 1-based): chr3:169,115,708, T>C on the plus strand (A>G on the coding strand, the complement: MECOM is on the minus strand). VCF-style: chr3-169115708-T-C. GRCh37 (hg19) VCF-style: chr3-168833496-T-C.
Other names: c.1795A>G, p.Met599Val (NM_001105077.4); c.1600A>G, p.Met534Val (NM_001105078.4, NM_001164000.2, NM_001205194.2 and 4 more transcripts); c.1603A>G, p.Met535Val (NM_001163999.2, NM_001366467.2, NM_001366468.2 and 1 more transcripts); c.2164A>G, p.Met722Val (NM_001366466.2); c.1192A>G, p.Met398Val (NM_001366473.2); c.628A>G, p.Met210Val (NM_001366474.2); short protein forms M535V, M398V, M722V, M210V, M534V, M599V.
Identifiers: ClinVar variation 3293936 (VCV003293936.2).
Genomic context (GRCh38, chr3:169,115,708, plus strand): 5'-AGGGGGACTCAGAGCTGCCCTTCTGCAGTTTCTTTACTTCACCTGGTGATTGGGGTTCCA[T>C]TTTCAAAGGTAACGATCTCAAGTCTCTATCAGGAAATGGGTACATTGATTGAGAGAATGC-3'
Protein context (NP_004982.2, residues 712-732): DRDLRSLPLK[Met722Val]EPQSPGEVKK